The following is an entry in ClinVar:

ClinVar aggregate classification (germline): Pathogenic (1 of 4 stars; one submission).

Conditions:
Dystonic disorder. Also called: Dystonia. Identifiers: MedGen C0013421, MONDO:0003441, HP:0001332.

Submission:

Labcorp Genetics (formerly Invitae), Labcorp
Classification: Pathogenic for Dystonic disorder. Last evaluated: 2022-09-01. Review status: criteria provided, single submitter. Criteria: Invitae Variant Classification Sherloc (09022015). Collection method: clinical testing. Allele origin: germline.
Comment: This variant disrupts a region of the SPR protein in which other variant(s) (p.Lys251*) have been determined to be pathogenic (PMID: 16917893, 18502672, 21431957, 24212389, 25763508, 29116116). This suggests that this is a clinically significant region of the protein, and that variants that disrupt it are likely to be disease-causing. For these reasons, this variant has been classified as Pathogenic. This sequence change creates a premature translational stop signal (p.Gln206Alafs*55) in the SPR gene. While this is not anticipated to result in nonsense mediated decay, it is expected to disrupt the last 56 amino acid(s) of the SPR protein. This variant is not present in population databases (gnomAD no frequency). This premature translational stop signal has been observed in individual(s) with sepiapterin reductase deficiency (PMID: 22522443). ClinVar contains an entry for this variant (Variation ID: 842660).

Literature cited by the submitters: PubMed 16917893; PubMed 18502672; PubMed 21431957; PubMed 24212389; PubMed 25763508; PubMed 29116116; PubMed 22522443.

NM_003124.5(SPR):c.615dup (p.Gln206fs)

Gene: SPR (sepiapterin reductase; plus strand). Cytogenetic location: 2p13.2.
Variant type: Duplication.
Coding change: c.615dup on transcript NM_003124.5 (MANE Select); coding-DNA position 615, one base duplicated (G; older notation c.615dupG).
Protein change: p.Gln206fs; shifts the reading frame from glutamine 206.
Molecular consequence: frameshift variant.
Genome position (GRCh38, 1-based): chr2:72,891,366, G duplicated. VCF-style (leftmost placement, unchanged base first): chr2-72891365-T-TG. GRCh37 (hg19) VCF-style: chr2-73118494-T-TG.
Other names: short protein forms Q206fs.
Identifiers: ClinVar variation 842660 (VCV000842660.9), dbSNP rs1670619549, ClinGen allele CA916082542.